The following is an entry in ClinVar:

ClinVar aggregate classification (germline): Uncertain significance (1 of 4 stars; one submission).

Conditions:
Inborn genetic diseases. Identifiers: MedGen C0950123, MeSH D030342.

Submission:

Ambry Genetics
Classification: Uncertain significance for Inborn genetic diseases. Last evaluated: 2025-04-13. Review status: criteria provided, single submitter. Criteria: Ambry Variant Classification Scheme 2023. Collection method: clinical testing. Allele origin: germline.
Comment: The p.C136Y variant (also known as c.407G>A), located in coding exon 4 of the RTEL1 gene, results from a G to A substitution at nucleotide position 407. The cysteine at codon 136 is replaced by tyrosine, an amino acid with highly dissimilar properties. This amino acid position is conserved. In addition, this alteration is predicted to be deleterious by in silico analysis. Based on the available evidence, the clinical significance of this variant remains unclear.

NM_001283009.2(RTEL1):c.407G>A (p.Cys136Tyr)

Genes: RTEL1 (regulator of telomere elongation helicase 1; plus strand), RTEL1-TNFRSF6B (RTEL1-TNFRSF6B readthrough (NMD candidate); plus strand). Cytogenetic location: 20q13.33.
Variant type: single nucleotide variant.
Coding change: c.407G>A on transcript NM_001283009.2 (MANE Select); coding-DNA position 407, G replaced by A.
Protein change: p.Cys136Tyr; replaces cysteine 136 with tyrosine.
Molecular consequence: missense variant. On other transcripts: non-coding transcript variant (1), 5 prime UTR variant (1).
Genome position (GRCh38, 1-based): chr20:63,662,557, G>A. VCF-style: chr20-63662557-G-A. GRCh37 (hg19) VCF-style: chr20-62293910-G-A.
Other names: c.-263G>A (NM_001283010.1); c.407G>A, p.Cys136Tyr (NM_016434.4); c.479G>A, p.Cys160Tyr (NM_032957.5); short protein forms C136Y, C160Y.
Identifiers: ClinVar variation 3948324 (VCV003948324.1).